The following is an entry in ClinVar:

NM_022773.4(LMF1):c.1039C>G (p.Gln347Glu)

Gene: LMF1 (lipase maturation factor 1; minus strand). Cytogenetic location: 16p13.3.
Variant type: single nucleotide variant.
Coding change: c.1039C>G on transcript NM_022773.4 (MANE Select); coding-DNA position 1039, C replaced by G.
Protein change: p.Gln347Glu; replaces glutamine 347 with glutamic acid.
Molecular consequence: missense variant. On other transcripts: non-coding transcript variant (1).
Genome position (GRCh38, 1-based): chr16:871,200, G>C on the plus strand (C>G on the coding strand, the complement: LMF1 is on the minus strand). VCF-style: chr16-871200-G-C. GRCh37 (hg19) VCF-style: chr16-921200-G-C.
Other names: c.388C>G, p.Gln130Glu (NM_001352017.2, NM_001352021.2); c.640C>G, p.Gln214Glu (NM_001352018.2); c.712C>G, p.Gln238Glu (NM_001352019.2); c.1039C>G, p.Gln347Glu (NM_001352020.1); short protein forms Q130E, Q238E, Q347E, Q214E.
Identifiers: ClinVar variation 1028777 (VCV001028777.1), dbSNP rs2069779467, ClinGen allele CA394127162.

ClinVar aggregate classification (germline): Uncertain significance (1 of 4 stars; one submission).

Conditions:
Lipase deficiency, combined. Also called: LIPOPROTEIN LIPASE DEFICIENCY WITH HEPATIC TRIGLYCERIDE LIPASE DEFICIENCY; LPL AND HL DEFICIENCY; LPL AND HTGL DEFICIENCY. Identifiers: Orphanet 535453, MedGen C1855498, MONDO:0009527, OMIM 246650.

Allele frequency attached by ClinVar (database versions not stated): gnomAD exomes below 0.00001.
gnomAD v4.1: 2 of 1,610,154 alleles (0.00012%); highest among the groups gnomAD compares: African/African-American, 0.0027%; no homozygotes.

Submission:

Baylor Genetics
Classification: Uncertain significance for Lipase deficiency, combined. Last evaluated: 2019-09-22. Review status: criteria provided, single submitter. Criteria: ACMG Guidelines, 2015. Collection method: clinical testing. Allele origin: unknown. Affected: yes.
Comment: This variant was determined to be of uncertain significance according to ACMG Guidelines, 2015 [PMID:25741868].